The following is an entry in ClinVar:

ClinVar aggregate classification (germline): Uncertain significance. Review status: criteria provided, multiple submitters, no conflicts (2 of 4 stars). 2 submissions from 2 submitters: Uncertain significance (2). Last evaluated 2025-11-13.

Conditions:
Hereditary cancer-predisposing syndrome. Also called: Neoplastic Syndromes, Hereditary; Tumor predisposition; Hereditary neoplastic syndrome; Hereditary Cancer Syndrome. Identifiers: Orphanet 140162, MedGen C0027672, MeSH D009386, MONDO:0015356.
Cardiovascular phenotype. Identifiers: MedGen CN230736.

Allele frequency attached by ClinVar (database versions not stated): gnomAD 0.00001; gnomAD exomes 0.00001; ExAC 0.00002; TOPMed 0.00002.
gnomAD v4.1: 7 of 1,613,320 alleles (0.00043%); highest among the groups gnomAD compares: Admixed American, 0.0017%; no homozygotes.

Submissions (2):

Labcorp Genetics (formerly Invitae), Labcorp
Classification: Uncertain significance. Last evaluated: 2025-11-13. Review status: criteria provided, single submitter. Criteria: Invitae Variant Classification Sherloc (09022015). Collection method: clinical testing. Allele origin: germline.
Comment: This sequence change replaces glutamic acid, which is acidic and polar, with lysine, which is basic and polar, at codon 721 of the LZTR1 protein (p.Glu721Lys). This variant is present in population databases (rs570948606, gnomAD 0.003%). This variant has not been reported in the literature in individuals affected with LZTR1-related conditions. ClinVar contains an entry for this variant (Variation ID: 1368105). Invitae Evidence Modeling of protein sequence and biophysical properties (such as structural, functional, and spatial information, amino acid conservation, physicochemical variation, residue mobility, and thermodynamic stability) indicates that this missense variant is not expected to disrupt LZTR1 protein function with a negative predictive value of 80%. In summary, the available evidence is currently insufficient to determine the role of this variant in disease. Therefore, it has been classified as a Variant of Uncertain Significance.

Ambry Genetics
Classification: Uncertain significance for Cardiovascular phenotype; Hereditary cancer-predisposing syndrome. Last evaluated: 2022-05-02. Review status: criteria provided, single submitter. Criteria: Ambry Variant Classification Scheme 2023. Collection method: clinical testing. Allele origin: germline.
Comment: The p.E721K variant (also known as c.2161G>A), located in coding exon 18 of the LZTR1 gene, results from a G to A substitution at nucleotide position 2161. The glutamic acid at codon 721 is replaced by lysine, an amino acid with similar properties. This amino acid position is well conserved in available vertebrate species. In addition, this alteration is predicted to be tolerated by in silico analysis. Since supporting evidence is limited at this time, the clinical significance of this alteration remains unclear.

NM_006767.4(LZTR1):c.2161G>A (p.Glu721Lys)

Gene: LZTR1 (leucine zipper like post translational regulator 1; plus strand). Cytogenetic location: 22q11.21.
Variant type: single nucleotide variant.
Coding change: c.2161G>A on transcript NM_006767.4 (MANE Select); coding-DNA position 2161, G replaced by A.
Protein change: p.Glu721Lys; replaces glutamic acid 721 with lysine.
Molecular consequence: missense variant.
Genome position (GRCh38, 1-based): chr22:20,996,054, G>A. VCF-style: chr22-20996054-G-A. GRCh37 (hg19) VCF-style: chr22-21350343-G-A.
Other names: short protein forms E721K.
Identifiers: ClinVar variation 1368105 (VCV001368105.7), dbSNP rs570948606, ClinGen allele CA10119261.
Genomic context (GRCh38, chr22:20,996,054, plus strand): 5'-CCCGAAGATGGGCAGGTGAACATCTCCATCGGGGAGATGGTGCCCAGCAGGCAGGCCTTC[G>A]AGTCCATGCTGCGCTACATCTACTACGGCGAGGTCAACATGCCGCCCGAGGACTCGCTGC-3'
Protein context (NP_006758.2, residues 711-731): GEMVPSRQAF[Glu721Lys]SMLRYIYYGE